The following is an entry in ClinVar:

NM_015687.5(FILIP1):c.471A>G (p.Lys157=)

Gene: FILIP1 (filamin A interacting protein 1; minus strand). Cytogenetic location: 6q14.1.
Variant type: single nucleotide variant.
Coding change: c.471A>G on transcript NM_015687.5 (MANE Select); coding-DNA position 471, A replaced by G.
Protein change: p.Lys157=; no amino-acid change (lysine 157 retained).
Molecular consequence: synonymous variant.
Genome position (GRCh38, 1-based): chr6:75,353,697, T>C on the plus strand (A>G on the coding strand, the complement: FILIP1 is on the minus strand). VCF-style: chr6-75353697-T-C. GRCh37 (hg19) VCF-style: chr6-76063413-T-C.
Other names: c.480A>G, p.Lys160= (NM_001289987.3); c.471A>G, p.Lys157= (NM_001300866.3).
Identifiers: ClinVar variation 4535090 (VCV004535090.6).

ClinVar aggregate classification (germline): Likely benign (1 of 4 stars; one submission).

Submission:

CeGaT Center for Human Genetics Tuebingen
Classification: Likely benign. Last evaluated: 2025-10-01. Review status: criteria provided, single submitter. Criteria: CeGaT Center For Human Genetics Tuebingen Variant Classification Criteria Version 2. Collection method: clinical testing. Allele origin: germline. Affected: yes. Observed: 1 variant allele.
Comment: FILIP1: PM2:Supporting, BP4, BP7